The following is an entry in ClinVar:

ClinVar aggregate classification (germline): Uncertain significance (1 of 4 stars; one submission).

Conditions:
Inherited primary ovarian failure. Identifiers: Orphanet 95710, MedGen C2930861, MONDO:0019852.

Submission:

Molecular Genetics, Royal Melbourne Hospital
Classification: Uncertain significance for Inherited primary ovarian failure. Last evaluated: 2022-03-03. Review status: criteria provided, single submitter. Criteria: ACMG Guidelines, 2015. Collection method: clinical testing. Allele origin: germline. Affected: yes.
Comment: This sequence change is predicted to cause a change in the length of the protein due to an in-frame deletion of one amino acid in a non-repeat region of the C14orf39 protein, p.(Val411del). The region deleted is weakly conserved (100 vertebrates, UCSC), and is not located in an annotated domain. The highest population minor allele frequency in gnomAD v2.1 is 0.0008% (1/127,796 alleles) in the European (non-Finnish) population, which is consistent with recessive disease. To our knowledge, this variant has not been reported in the literature in any individuals with premature ovarian insufficiency. Based on the classification scheme RMH Modified ACMG Guidelines v1.5.1, this variant is classified as a VARIANT OF UNCERTAIN SIGNIFICANCE. Following criteria are met: PM2_Supporting, PM4_Supporting.

NM_174978.3(C14orf39):c.1232_1234del (p.Val411del)

Gene: C14orf39 (chromosome 14 open reading frame 39; minus strand). Cytogenetic location: 14q23.1.
Variant type: Deletion.
Coding change: c.1232_1234del on transcript NM_174978.3 (MANE Select); coding-DNA positions 1232 to 1234, 3 bases deleted (TAG; older notation c.1232_1234delTAG).
Protein change: p.Val411del; deletes valine 411.
Molecular consequence: inframe deletion.
Genome position (GRCh38, 1-based): chr14:60,457,041-60,457,043, CTA deleted on the plus strand (TAG on the coding strand, the reverse complement: C14orf39 is on the minus strand); deleting any 3 consecutive bases within chr14:60,457,041-60,457,045 gives the same sequence; the c. name uses the placement nearest the transcript's 3' end. VCF-style (leftmost placement, unchanged base first): chr14-60457040-TCTA-T. GRCh37 (hg19) VCF-style: chr14-60923758-TCTA-T.
Other names: c.1232_1234delTAG (NM_174978.3); short protein forms V411del.
Identifiers: ClinVar variation 3068629 (VCV003068629.1), dbSNP rs760326576, ClinGen allele CA7212071.